The following is an entry in ClinVar:

NM_001384125.1(BLTP1):c.997dup (p.Ile333fs)

Gene: BLTP1 (bridge-like lipid transfer protein family member 1; plus strand). Cytogenetic location: 4q27.
Variant type: Duplication.
Coding change: c.997dup on transcript NM_001384125.1 (MANE Select); coding-DNA position 997, one base duplicated (A; older notation c.997dupA).
Protein change: p.Ile333fs; shifts the reading frame from isoleucine 333.
Molecular consequence: frameshift variant.
Genome position (GRCh38, 1-based): chr4:122,192,324, A duplicated. VCF-style (leftmost placement, unchanged base first): chr4-122192323-T-TA. GRCh37 (hg19) VCF-style: chr4-123113478-T-TA.
Other names: c.997dupA (NM_015312.3); c.997dup, p.Ile333fs (NM_015312.4); short protein forms I333fs.
Identifiers: ClinVar variation 280219 (VCV000280219.3), dbSNP rs886041465, ClinGen allele CA10602912.

ClinVar aggregate classification (germline): Pathogenic (1 of 4 stars; one submission).

Submission:

GeneDx
Classification: Pathogenic. Last evaluated: 2016-01-29. Review status: criteria provided, single submitter. Criteria: GeneDx Variant Classification (06012015). Collection method: clinical testing. Allele origin: germline. Affected: yes.
Comment: This variant is predicted to cause loss of normal protein function either through protein truncation or nonsense-mediated mRNA decay. The c.997dupA variant was not observed in approximately 6000 individuals of European and African American ancestry in the NHLBI Exome Sequencing Project, indicating it is not a common benign variant in these populations. We interpret c.997dupA as a pathogenic variant.